The following is an entry in ClinVar:

NM_001130965.3(SUN1):c.169C>T (p.Arg57Cys)

Gene: SUN1 (Sad1 and UNC84 domain containing 1; plus strand). Cytogenetic location: 7p22.3.
Variant type: single nucleotide variant.
Coding change: c.169C>T on transcript NM_001130965.3 (MANE Select); coding-DNA position 169, C replaced by T.
Protein change: p.Arg57Cys; replaces arginine 57 with cysteine.
Molecular consequence: missense variant. On other transcripts: 5 prime UTR variant (2), non-coding transcript variant (3), intron variant (2).
Genome position (GRCh38, 1-based): chr7:838,889, C>T. VCF-style: chr7-838889-C-T. GRCh37 (hg19) VCF-style: chr7-878526-C-T.
Other names: c.169C>T, p.Arg57Cys (NM_001171944.2, NM_001171946.2, NM_001367633.1 and 34 more transcripts); c.232C>T, p.Arg78Cys (NM_001171945.2); c.-289C>T (NM_001367635.1); c.19C>T, p.Arg7Cys (NM_001367636.1, NM_001367637.1, NM_001367644.1 and 25 more transcripts); c.388C>T, p.Arg130Cys (NM_001367651.1); c.-593C>T (NM_001367658.1); c.78-3057C>T (NM_001367695.1); c.-301-3057C>T (NM_001367639.1); and 1 more; short protein forms R130C, R78C, R57C, R7C.
Identifiers: ClinVar variation 2076016 (VCV002076016.5), dbSNP rs746512215, ClinGen allele CA4111400.

ClinVar aggregate classification (germline): Uncertain significance. Review status: criteria provided, multiple submitters, no conflicts (2 of 4 stars). 2 submissions from 2 submitters: Uncertain significance (2). Last evaluated 2025-05-05.

Conditions:
Emery-Dreifuss muscular dystrophy (EDMD). Also called: Scapuloperoneal syndrome, X-linked (formerly); Humeroperoneal neuromuscular disease, (formerly). Identifiers: Orphanet 261, MedGen C0410189, MONDO:0016830.

Allele frequency attached by ClinVar (database versions not stated): gnomAD exomes 0.00001; TOPMed 0.00003; ExAC 0.00005; gnomAD 0.00005.
gnomAD v4.1: 16 of 1,608,860 alleles (0.00099%); highest among the groups gnomAD compares: African/African-American, 0.012%; no homozygotes.

Submissions (2):

Labcorp Genetics (formerly Invitae), Labcorp
Classification: Uncertain significance for Emery-Dreifuss muscular dystrophy. Last evaluated: 2025-05-05. Review status: criteria provided, single submitter. Criteria: Invitae Variant Classification Sherloc (09022015). Collection method: clinical testing. Allele origin: germline.
Comment: This sequence change replaces arginine, which is basic and polar, with cysteine, which is neutral and slightly polar, at codon 57 of the SUN1 protein (p.Arg57Cys). The frequency data for this variant in the population databases is considered unreliable, as metrics indicate poor data quality at this position in the gnomAD database. This variant has not been reported in the literature in individuals affected with SUN1-related conditions. ClinVar contains an entry for this variant (Variation ID: 2076016). An algorithm developed to predict the effect of missense changes on protein structure and function (PolyPhen-2) suggests that this variant is likely to be disruptive. In summary, the available evidence is currently insufficient to determine the role of this variant in disease. Therefore, it has been classified as a Variant of Uncertain Significance.

Ambry Genetics
Classification: Uncertain significance. Last evaluated: 2024-06-07. Review status: criteria provided, single submitter. Criteria: Ambry Variant Classification Scheme 2023. Collection method: clinical testing. Allele origin: germline.